The following is an entry in ClinVar:

NM_000238.4(KCNH2):c.3162C>G (p.Thr1054=)

Gene: KCNH2 (potassium voltage-gated channel subfamily H member 2; minus strand). Cytogenetic location: 7q36.1.
Variant type: single nucleotide variant.
Coding change: c.3162C>G on transcript NM_000238.4 (MANE Select); coding-DNA position 3162, C replaced by G.
Protein change: p.Thr1054=; no amino-acid change (threonine 1054 retained).
Molecular consequence: synonymous variant.
Genome position (GRCh38, 1-based): chr7:150,947,045, G>C on the plus strand (C>G on the coding strand, the complement: KCNH2 is on the minus strand). VCF-style: chr7-150947045-G-C. GRCh37 (hg19) VCF-style: chr7-150644133-G-C.
Other names: c.2142C>G, p.Thr714= (NM_172057.3).
Identifiers: ClinVar variation 628237 (VCV000628237.17), dbSNP rs368701315, ClinGen allele CA037652.

ClinVar aggregate classification (germline): Likely benign. Review status: criteria provided, multiple submitters, no conflicts (2 of 4 stars). 5 submissions from 5 submitters: Likely benign (5). Last evaluated 2026-01-19.

Conditions:
Long QT syndrome (LQTS). Identifiers: MedGen C0023976, MeSH D008133, MONDO:0002442. Disease mechanism: loss of function. Inheritance: Various modes of inheritance.
Cardiovascular phenotype. Identifiers: MedGen CN230736.
Cardiac arrhythmia. Also called: Arrhythmia; Cardiac rhythm disease. Identifiers: MedGen C0003811, MONDO:0007263, HP:0011675.

Allele frequency attached by ClinVar (database versions not stated): ESP Exome Variant Server 0.00015; gnomAD exomes below 0.00001 and 0.00004; ExAC 0.00003; gnomAD 0.00003; TOPMed 0.00005.
gnomAD v4.1: 65 of 1,600,530 alleles (0.0041%); highest among the groups gnomAD compares: Non-Finnish European, 0.0049%; no homozygotes.

Submissions (5):

Labcorp Genetics (formerly Invitae), Labcorp
Classification: Likely benign for Long QT syndrome. Last evaluated: 2026-01-19. Review status: criteria provided, single submitter. Criteria: Invitae Variant Classification Sherloc (09022015). Collection method: clinical testing. Allele origin: germline.

Ambry Genetics
Classification: Likely benign for Cardiovascular phenotype. Last evaluated: 2022-04-09. Review status: criteria provided, single submitter. Criteria: Ambry Variant Classification Scheme 2023. Collection method: clinical testing. Allele origin: germline.

Blueprint Genetics
Classification: Likely benign. Last evaluated: 2019-12-10. Review status: criteria provided, single submitter. Criteria: ACMG Guidelines, 2015. Collection method: clinical testing. Allele origin: germline.

GeneDx
Classification: Likely benign. Last evaluated: 2018-05-31. Review status: criteria provided, single submitter. Criteria: GeneDx Variant Classification (06012015). Collection method: clinical testing. Allele origin: germline. Affected: yes.
Comment: This variant is considered likely benign or benign based on one or more of the following criteria: it is a conservative change, it occurs at a poorly conserved position in the protein, it is predicted to be benign by multiple in silico algorithms, and/or has population frequency not consistent with disease.

Color Diagnostics, LLC DBA Color Health
Classification: Likely benign for Arrhythmia. Last evaluated: 2018-04-23. Review status: criteria provided, single submitter. Criteria: ACMG Guidelines, 2015. Collection method: clinical testing. Allele origin: germline.